The following is an entry in ClinVar:

ClinVar aggregate classification (germline): Benign/Likely benign. Review status: criteria provided, multiple submitters, no conflicts (2 of 4 stars). 6 submissions from 6 submitters: Benign (3); Likely benign (3). Last evaluated 2026-02-04.

Conditions:
Inborn genetic diseases. Identifiers: MedGen C0950123, MeSH D030342.
Aortic valve disease 2 (AOVD2). Identifiers: MedGen C3542024, MONDO:0013902, OMIM 614823.

Allele frequency attached by ClinVar (database versions not stated): ESP Exome Variant Server 0.00247; 1000 Genomes Project 0.00280; TOPMed 0.00386; 1000 Genomes Project 30x 0.00422; gnomAD 0.00496 and 0.00505; gnomAD exomes 0.00506; ExAC 0.00551.

Submissions (6):

Labcorp Genetics (formerly Invitae), Labcorp
Classification: Benign for Aortic valve disease 2. Last evaluated: 2026-02-04. Review status: criteria provided, single submitter. Criteria: Invitae Variant Classification Sherloc (09022015). Collection method: clinical testing. Allele origin: germline.

Mayo Clinic Laboratories, Mayo Clinic
Classification: Benign. Last evaluated: 2025-04-17. Review status: criteria provided, single submitter. Criteria: ACMG Guidelines, 2015. Collection method: clinical testing. Allele origin: germline. Observed: 8 variant alleles.
Comment: BS1, BS2, BP4

CeGaT Center for Human Genetics Tuebingen
Classification: Benign. Last evaluated: 2024-11-01. Review status: criteria provided, single submitter. Criteria: CeGaT Center For Human Genetics Tuebingen Variant Classification Criteria Version 2. Collection method: clinical testing. Allele origin: germline. Affected: yes. Observed: 10 variant alleles.
Comment: SMAD6: PP2, BS1, BS2

Women's Health and Genetics/Laboratory Corporation of America, LabCorp
Classification: Likely benign. Last evaluated: 2023-04-04. Review status: criteria provided, single submitter. Criteria: LabCorp Variant Classification Summary - May 2015. Collection method: clinical testing. Allele origin: germline.

Ambry Genetics
Classification: Likely benign for Inborn genetic diseases. Last evaluated: 2022-10-30. Review status: criteria provided, single submitter. Criteria: Ambry Variant Classification Scheme 2023. Collection method: clinical testing. Allele origin: germline.

GeneDx
Classification: Likely benign. Last evaluated: 2020-01-11. Review status: criteria provided, single submitter. Criteria: GeneDx Variant Classification Process June 2021. Collection method: clinical testing. Allele origin: germline. Affected: yes.

Literature cited by the submitters: PubMed 36920900 (cited by Mayo Clinic Laboratories, Mayo Clinic).

NM_005585.5(SMAD6):c.61G>A (p.Asp21Asn)

Gene: SMAD6 (SMAD family member 6; plus strand). Cytogenetic location: 15q22.31.
Variant type: single nucleotide variant.
Coding change: c.61G>A on transcript NM_005585.5 (MANE Select); coding-DNA position 61, G replaced by A.
Protein change: p.Asp21Asn; replaces aspartic acid 21 with asparagine.
Molecular consequence: missense variant. On other transcripts: non-coding transcript variant (1).
Genome position (GRCh38, 1-based): chr15:66,703,319, G>A. VCF-style: chr15-66703319-G-A. GRCh37 (hg19) VCF-style: chr15-66995657-G-A.
Other names: p.Asp21Asn; short protein forms D21N.
Identifiers: ClinVar variation 413448 (VCV000413448.42), dbSNP rs188799901, ClinGen allele CA7626420.
Genomic context (GRCh38, chr15:66,703,319, plus strand): 5'-ATGTTCAGGTCCAAACGCTCGGGGCTGGTGCGGCGACTTTGGCGAAGTCGTGTGGTCCCC[G>A]ACCGGGAGGAAGGCGGCAGCGGCGGCGGCGGTGGCGGCGACGAGGATGGGAGCTTGGGCA-3'
Protein context (NP_005576.3, residues 11-31): RRLWRSRVVP[Asp21Asn]REEGGSGGGG